The following is an entry in ClinVar:

ClinVar aggregate classification (germline): Uncertain significance (1 of 4 stars; one submission).

Conditions:
GNAS-related disorder. Identifiers: MedGen CN380105.

gnomAD v4.1: 2 of 1,612,414 alleles (0.00012%); highest among the groups gnomAD compares: Non-Finnish European, 0.000085%; no homozygotes.

Submission:

PreventionGenetics, part of Exact Sciences
Classification: Uncertain significance for GNAS-related condition. Last evaluated: 2024-10-28. Review status: criteria provided, single submitter. Criteria: ACMG Guidelines, 2015. Collection method: clinical testing. Allele origin: germline.
Comment: The GNAS c.14C>T variant is predicted to result in the amino acid substitution p.Pro5Leu. To our knowledge, this variant has not been reported in the literature. This variant is reported in 0.0065% of alleles in individuals of European (Non-Finnish) descent in gnomAD. At this time, the clinical significance of this variant is uncertain due to the absence of conclusive functional and genetic evidence.

NM_080425.4(GNAS):c.201C>T (p.Ala67=)

Gene: GNAS (GNAS complex locus; plus strand). Cytogenetic location: 20q13.32.
Variant type: single nucleotide variant.
Coding change: c.201C>T on transcript NM_080425.4 (MANE Plus Clinical); coding-DNA position 201, C replaced by T.
Protein change: p.Ala67=; no amino-acid change (alanine 67 retained).
Molecular consequence: synonymous variant. On other transcripts: missense variant (2), intron variant (3).
Genome position (GRCh38, 1-based): chr20:58,853,466, C>T. VCF-style: chr20-58853466-C-T. GRCh37 (hg19) VCF-style: chr20-57428521-C-T.
Other names: c.14C>T, p.Pro5Leu (NM_001077490.3, NM_001309883.1); c.201C>T, p.Ala67= (NM_001410913.1); c.*42+12580C>T (NM_016592.5); c.43+12580C>T (NM_001410912.1); c.-39+11591C>T (NM_001309861.2); short protein forms P5L.
Identifiers: ClinVar variation 4999503 (VCV004999503.1).
Genomic context (GRCh38, chr20:58,853,466, plus strand): 5'-AGAGATGGAGACCGAACCGCCTCACAACGAGCCCATCCCCGTCGAGAATGATGGCGAGGC[C>T]TGTGGACCCCCAGAGGTCTCCAGACCCAACTTTCAGGTCCTCAACCCGGCATTCAGGGAA-3'
Protein context (NP_536350.2, residues 57-77): EPIPVENDGE[Ala67=]CGPPEVSRPN